The following is an entry in ClinVar:

NM_014363.6(SACS):c.9492A>C (p.Gln3164His)

Gene: SACS (sacsin molecular chaperone; minus strand). Cytogenetic location: 13q12.12.
Variant type: single nucleotide variant.
Coding change: c.9492A>C on transcript NM_014363.6 (MANE Select); coding-DNA position 9492, A replaced by C.
Protein change: p.Gln3164His; replaces glutamine 3164 with histidine.
Molecular consequence: missense variant.
Genome position (GRCh38, 1-based): chr13:23,334,384, T>G on the plus strand (A>C on the coding strand, the complement: SACS is on the minus strand). VCF-style: chr13-23334384-T-G. GRCh37 (hg19) VCF-style: chr13-23908523-T-G.
Other names: c.9051A>C, p.Gln3017His (NM_001278055.2); c.9492A>C (NM_014363.4); short protein forms Q3164H, Q3017H.
Identifiers: ClinVar variation 1042806 (VCV001042806.8), dbSNP rs1025915131, ClinGen allele CA246653286.

ClinVar aggregate classification (germline): Uncertain significance. Review status: criteria provided, multiple submitters, no conflicts (2 of 4 stars). 3 submissions from 3 submitters: Uncertain significance (2). 1 of the submissions does not count toward it. Last evaluated 2025-11-03.

Conditions:
Inborn genetic diseases. Identifiers: MedGen C0950123, MeSH D030342.
Spastic paraplegia. Identifiers: MedGen C0037772, HP:0001258.
Charlevoix-Saguenay spastic ataxia (SACS). Also called: Spastic ataxia of Charlevoix-Saguenay; SPASTIC ATAXIA 6, AUTOSOMAL RECESSIVE; AUTOSOMAL RECESSIVE SPASTIC ATAXIA OF CHARLEVOIX-SAGUENAY. Identifiers: Orphanet 98, MedGen C1849140, MONDO:0010041, OMIM 270550.

Allele frequency attached by ClinVar (database versions not stated): TOPMed below 0.00001; gnomAD 0.00001; gnomAD exomes 0.00001.
gnomAD v4.1: 11 of 1,612,960 alleles (0.00068%); highest among the groups gnomAD compares: Non-Finnish European, 0.00093%; no homozygotes.

Submissions (3):

Ambry Genetics
Classification: Uncertain significance for Inborn genetic diseases. Last evaluated: 2025-11-03. Review status: criteria provided, single submitter. Criteria: Ambry Variant Classification Scheme 2023. Collection method: clinical testing. Allele origin: germline.

Labcorp Genetics (formerly Invitae), Labcorp
Classification: Uncertain significance for Spastic paraplegia. Last evaluated: 2021-08-13. Review status: criteria provided, single submitter. Criteria: Invitae Variant Classification Sherloc (09022015). Collection method: clinical testing. Allele origin: germline.
Comment: This sequence change replaces glutamine with histidine at codon 3164 of the SACS protein (p.Gln3164His). The glutamine residue is moderately conserved and there is a small physicochemical difference between glutamine and histidine. This variant is not present in population databases (ExAC no frequency). This variant has not been reported in the literature in individuals affected with SACS-related conditions. Algorithms developed to predict the effect of missense changes on protein structure and function are either unavailable or do not agree on the potential impact of this missense change (SIFT: "Deleterious"; PolyPhen-2: "Probably Damaging"; Align-GVGD: "Class C0"). In summary, the available evidence is currently insufficient to determine the role of this variant in disease. Therefore, it has been classified as a Variant of Uncertain Significance.

Natera, Inc.
Classification: Uncertain significance for Charlevoix-Saguenay type spastic ataxia. Last evaluated: 2020-03-10. Review status: no assertion criteria provided. Collection method: clinical testing. Allele origin: germline. Not counted in ClinVar's aggregate classification.